The following is an entry in ClinVar:

ClinVar aggregate classification (germline): Conflicting classifications of pathogenicity. Review status: criteria provided, conflicting classifications (1 of 4 stars). 2 submissions from 2 submitters: Uncertain significance (1); Likely benign (1). Last evaluated 2023-03-23.

Conditions:
Hereditary cancer-predisposing syndrome. Also called: Neoplastic Syndromes, Hereditary; Tumor predisposition; Hereditary Cancer Syndrome; Hereditary neoplastic syndrome. Identifiers: Orphanet 140162, MedGen C0027672, MeSH D009386, MONDO:0015356.

Submissions (2):

University of Washington Department of Laboratory Medicine, University of Washington
Classification: Likely benign for Hereditary cancer-predisposing syndrome. Last evaluated: 2023-03-23. Review status: criteria provided, single submitter. Criteria: Dines et al. (Genet Med. 2020). Collection method: curation. Allele origin: germline.
Comment: Missense variant in a coldspot region where missense variants are very unlikely to be pathogenic (PMID:31911673).

BRCA1 coldspot (exon 11 using historical exon numbering). Reclassification based on statistical prior probability

Ambry Genetics
Classification: Uncertain significance for Hereditary cancer-predisposing syndrome. Last evaluated: 2022-07-27. Review status: criteria provided, single submitter. Criteria: Ambry Variant Classification Scheme 2023. Collection method: clinical testing. Allele origin: germline.
Comment: The p.P1315T variant (also known as c.3943C>A), located in coding exon 9 of the BRCA1 gene, results from a C to A substitution at nucleotide position 3943. The proline at codon 1315 is replaced by threonine, an amino acid with highly similar properties. This amino acid position is conserved. In addition, the in silico prediction for this alteration is inconclusive. Since supporting evidence is limited at this time, the clinical significance of this alteration remains unclear.

NM_007294.4(BRCA1):c.3943C>A (p.Pro1315Thr)

Genes: BRCA1 (BRCA1 DNA repair associated; minus strand), LOC126862571 (BRD4-independent group 4 enhancer GRCh37_chr17:41243136-41244335; plus strand). Cytogenetic location: 17q21.31.
Variant type: single nucleotide variant.
Coding change: c.3943C>A on transcript NM_007294.4 (MANE Select); coding-DNA position 3943, C replaced by A.
Protein change: p.Pro1315Thr; replaces proline 1315 with threonine.
Molecular consequence: missense variant. On other transcripts: intron variant (135).
Genome position (GRCh38, 1-based): chr17:43,091,588, G>T on the plus strand (C>A on the coding strand, the complement: BRCA1 is on the minus strand). VCF-style: chr17-43091588-G-T. GRCh37 (hg19) VCF-style: chr17-41243605-G-T.
Other names: c.3943C>A, p.Pro1315Thr (NM_001407593.1, NM_001407594.1, NM_001407596.1 and 30 more transcripts); c.3940C>A, p.Pro1314Thr (NM_001407610.1, NM_001407611.1, NM_001407612.1 and 22 more transcripts); c.3934C>A, p.Pro1312Thr (NM_001407646.1, NM_001407647.1); c.3820C>A, p.Pro1274Thr (NM_001407648.1, NM_001407664.1, NM_001407665.1 and 19 more transcripts); c.3817C>A, p.Pro1273Thr (NM_001407649.1, NM_001407670.1, NM_001407671.1 and 11 more transcripts); c.3865C>A, p.Pro1289Thr (NM_001407653.1, NM_001407654.1, NM_001407655.1 and 4 more transcripts); c.3862C>A, p.Pro1288Thr (NM_001407659.1, NM_001407660.1, NM_001407661.1 and 1 more transcripts); c.3802C>A, p.Pro1268Thr (NM_001407692.1, NM_001407694.1, NM_001407695.1 and 29 more transcripts); and 41 more; short protein forms P1019T, P1147T, P1245T, P1273T, P1314T, P447T, P1204T, P1227T.
Identifiers: ClinVar variation 1736369 (VCV001736369.4), dbSNP rs2154275698, ClinGen allele CA10594076.